The following is an entry in ClinVar:

NM_003859.3(DPM1):c.675C>T (p.Gly225=)

Genes: ADNP-AS1 (ADNP antisense RNA 1; plus strand), DPM1 (dolichyl-phosphate mannosyltransferase subunit 1, catalytic; minus strand). Cytogenetic location: 20q13.13.
Variant type: single nucleotide variant.
Coding change: c.675C>T on transcript NM_003859.3 (MANE Select); coding-DNA position 675, C replaced by T.
Protein change: p.Gly225=; no amino-acid change (glycine 225 retained).
Molecular consequence: synonymous variant. On other transcripts: non-coding transcript variant (1).
Genome position (GRCh38, 1-based): chr20:50,936,151, G>A on the plus strand (C>T on the coding strand, the complement: DPM1 is on the minus strand). VCF-style: chr20-50936151-G-A. GRCh37 (hg19) VCF-style: chr20-49552688-G-A.
Other names: c.780C>T, p.Gly260= (NM_001317034.1); c.756C>T, p.Gly252= (NM_001317035.1); c.606C>T, p.Gly202= (NM_001317036.1).
Identifiers: ClinVar variation 849506 (VCV000849506.7), dbSNP rs1414447653, ClinGen allele CA510888795.

ClinVar aggregate classification (germline): Uncertain significance (1 of 4 stars; one submission).

Conditions:
Congenital disorder of glycosylation type 1E (CDG1E). Also called: CONGENITAL DISORDER OF GLYCOSYLATION, TYPE Ie; CDG Ie. Identifiers: Orphanet 79322, MedGen C1837396, MONDO:0012123, OMIM 608799.

Allele frequency attached by ClinVar (database versions not stated): gnomAD exomes below 0.00001; gnomAD 0.00001; TOPMed 0.00001.

Submission:

Labcorp Genetics (formerly Invitae), Labcorp
Classification: Uncertain significance for Congenital disorder of glycosylation type 1E. Last evaluated: 2025-01-23. Review status: criteria provided, single submitter. Criteria: Invitae Variant Classification Sherloc (09022015). Collection method: clinical testing. Allele origin: germline.
Comment: This sequence change affects codon 225 of the DPM1 mRNA. It is a 'silent' change, meaning that it does not change the encoded amino acid sequence of the DPM1 protein. This variant is not present in population databases (gnomAD no frequency). This variant has not been reported in the literature in individuals affected with DPM1-related conditions. ClinVar contains an entry for this variant (Variation ID: 849506). Algorithms developed to predict the effect of sequence changes on RNA splicing suggest that this variant may create or strengthen a splice site. In summary, the available evidence is currently insufficient to determine the role of this variant in disease. Therefore, it has been classified as a Variant of Uncertain Significance.